The following is an entry in ClinVar:

NM_206933.4(USH2A):c.2584A>T (p.Asn862Tyr)

Genes: USH2A (usherin; minus strand), LOC122152296 (Sharpr-MPRA regulatory region 8762; plus strand). Cytogenetic location: 1q41.
Variant type: single nucleotide variant.
Coding change: c.2584A>T on transcript NM_206933.4 (MANE Select); coding-DNA position 2584, A replaced by T.
Protein change: p.Asn862Tyr; replaces asparagine 862 with tyrosine.
Molecular consequence: missense variant.
Genome position (GRCh38, 1-based): chr1:216,246,810, T>A on the plus strand (A>T on the coding strand, the complement: USH2A is on the minus strand). VCF-style: chr1-216246810-T-A. GRCh37 (hg19) VCF-style: chr1-216420152-T-A.
Other names: c.2584A>T, p.Asn862Tyr (NM_007123.6); c.2584A>T (NM_206933.2); short protein forms N862Y.
Identifiers: ClinVar variation 2157694 (VCV002157694.5), dbSNP rs778294014, ClinGen allele CA1396207.

ClinVar aggregate classification (germline): Uncertain significance. Review status: criteria provided, multiple submitters, no conflicts (2 of 4 stars). 2 submissions from 2 submitters: Uncertain significance (2). Last evaluated 2024-05-28.

Conditions:
Inborn genetic diseases. Identifiers: MedGen C0950123, MeSH D030342.

Allele frequency attached by ClinVar (database versions not stated): TOPMed below 0.00001; gnomAD 0.00001; ExAC 0.00002.
gnomAD v4.1: 20 of 1,614,044 alleles (0.0012%); highest among the groups gnomAD compares: Admixed American, 0.0067%; no homozygotes.

Submissions (2):

Ambry Genetics
Classification: Uncertain significance for Inborn genetic diseases. Last evaluated: 2024-05-28. Review status: criteria provided, single submitter. Criteria: Ambry Variant Classification Scheme 2023. Collection method: clinical testing. Allele origin: germline.

Labcorp Genetics (formerly Invitae), Labcorp
Classification: Uncertain significance. Last evaluated: 2023-11-27. Review status: criteria provided, single submitter. Criteria: Invitae Variant Classification Sherloc (09022015). Collection method: clinical testing. Allele origin: germline.
Comment: This sequence change replaces asparagine, which is neutral and polar, with tyrosine, which is neutral and polar, at codon 862 of the USH2A protein (p.Asn862Tyr). This variant is present in population databases (rs778294014, gnomAD 0.009%). This variant has not been reported in the literature in individuals affected with USH2A-related conditions. ClinVar contains an entry for this variant (Variation ID: 2157694). Advanced modeling of protein sequence and biophysical properties (such as structural, functional, and spatial information, amino acid conservation, physicochemical variation, residue mobility, and thermodynamic stability) performed at Invitae indicates that this missense variant is not expected to disrupt USH2A protein function with a negative predictive value of 95%. In summary, the available evidence is currently insufficient to determine the role of this variant in disease. Therefore, it has been classified as a Variant of Uncertain Significance.